The following is an entry in ClinVar:

NM_002230.4(JUP):c.1547C>A (p.Ala516Asp)

Gene: JUP (junction plakoglobin; minus strand). Cytogenetic location: 17q21.2.
Variant type: single nucleotide variant.
Coding change: c.1547C>A on transcript NM_002230.4 (MANE Select); coding-DNA position 1547, C replaced by A.
Protein change: p.Ala516Asp; replaces alanine 516 with aspartic acid.
Molecular consequence: missense variant.
Genome position (GRCh38, 1-based): chr17:41,758,821, G>T on the plus strand (C>A on the coding strand, the complement: JUP is on the minus strand). VCF-style: chr17-41758821-G-T. GRCh37 (hg19) VCF-style: chr17-39915073-G-T.
Other names: c.1547C>A, p.Ala516Asp (NM_001352773.2, NM_001352774.2, NM_001352775.2 and 3 more transcripts); short protein forms A516D.
Identifiers: ClinVar variation 1053507 (VCV001053507.13), dbSNP rs1255846046, ClinGen allele CA399493966.

ClinVar aggregate classification (germline): Uncertain significance. Review status: criteria provided, multiple submitters, no conflicts (2 of 4 stars). 2 submissions from 2 submitters: Uncertain significance (2). Last evaluated 2025-11-08.

Conditions:
Cardiovascular phenotype. Identifiers: MedGen CN230736.
Arrhythmogenic right ventricular dysplasia 12. Also called: ARRHYTHMOGENIC RIGHT VENTRICULAR DYSPLASIA, FAMILIAL, 12. Identifiers: MedGen C1969081, MONDO:0012684, OMIM 611528.
Naxos disease (NXD). Also called: WOOLLY HAIR, PALMOPLANTAR KERATODERMA, AND CARDIAC ABNORMALITIES; CARDIOMYOPATHY, ARRHYTHMOGENIC RIGHT VENTRICULAR, WITH SKIN, HAIR, AND NAIL ABNORMALITIES; KERATOSIS PALMOPLANTARIS WITH ARRHYTHMOGENIC CARDIOMYOPATHY; MAL DE NAXOS; PALMOPLANTAR KERATODERMA WITH ARRHYTHMOGENIC RIGHT VENTRICULAR CARDIOMYOPATHY AND WOOLLY HAIR. Identifiers: Orphanet 34217, MedGen C1832600, MONDO:0011017, OMIM 601214.

Submissions (2):

Ambry Genetics
Classification: Uncertain significance for Cardiovascular phenotype. Last evaluated: 2025-11-08. Review status: criteria provided, single submitter. Criteria: Ambry Variant Classification Scheme 2023. Collection method: clinical testing. Allele origin: germline.

Labcorp Genetics (formerly Invitae), Labcorp
Classification: Uncertain significance for Arrhythmogenic right ventricular dysplasia 12; Naxos disease. Last evaluated: 2024-06-12. Review status: criteria provided, single submitter. Criteria: Invitae Variant Classification Sherloc (09022015). Collection method: clinical testing. Allele origin: germline.
Comment: This sequence change replaces alanine, which is neutral and non-polar, with aspartic acid, which is acidic and polar, at codon 516 of the JUP protein (p.Ala516Asp). This variant is not present in population databases (gnomAD no frequency). This variant has not been reported in the literature in individuals affected with JUP-related conditions. ClinVar contains an entry for this variant (Variation ID: 1053507). An algorithm developed to predict the effect of missense changes on protein structure and function (PolyPhen-2) suggests that this variant is likely to be tolerated. In summary, the available evidence is currently insufficient to determine the role of this variant in disease. Therefore, it has been classified as a Variant of Uncertain Significance.